The following is an entry in ClinVar:

ClinVar aggregate classification (germline): Pathogenic/Likely pathogenic. Review status: criteria provided, multiple submitters, no conflicts (2 of 4 stars). 3 submissions from 3 submitters: Pathogenic (1); Likely pathogenic (2). Last evaluated 2024-02-09.

Conditions:
Juvenile polyposis syndrome (JPS). Identifiers: Orphanet 2929, MedGen C0345893, MONDO:0017380, OMIM 174900.
Hereditary cancer-predisposing syndrome. Also called: Hereditary neoplastic syndrome; Tumor predisposition; Neoplastic Syndromes, Hereditary; Hereditary Cancer Syndrome. Identifiers: Orphanet 140162, MedGen C0027672, MeSH D009386, MONDO:0015356.
Familial thoracic aortic aneurysm and aortic dissection (TAAD). Also called: Thoracic aortic aneurysms and dissections. Identifiers: Orphanet 91387, MedGen C4707243, MONDO:0019625.
Juvenile polyposis/hereditary hemorrhagic telangiectasia syndrome (JPHT). Also called: Juvenile Polyposis Syndrome / Hereditary Hemorrhagic Telangiectasia (JPS/HHT); JP/HHT SYNDROME; JUVENILE POLYPOSIS WITH HEREDITARY HEMORRHAGIC TELANGIECTASIA; POLYPOSIS, GENERALIZED JUVENILE, WITH PULMONARY ARTERIOVENOUS MALFORMATION; TELANGIECTASIA, HEREDITARY HEMORRHAGIC, WITH JUVENILE POLYPOSIS COLI. Identifiers: Orphanet 2929, MedGen C1832942, MONDO:0008278, OMIM 175050.

Submissions (3):

Myriad Genetics, Inc.
Classification: Likely pathogenic for Juvenile polyposis/hereditary hemorrhagic telangiectasia syndrome. Last evaluated: 2024-02-09. Review status: criteria provided, single submitter. Criteria: Myriad Autosomal Dominant, Autosomal Recessive and X-Linked Classification Criteria (2023). Collection method: clinical testing. Allele origin: unknown.
Comment: This variant is considered likely pathogenic. This variant occurs within a consensus splice junction and is predicted to result in abnormal mRNA splicing of either an out-of-frame exon or an in-frame exon necessary for protein stability and/or normal function.

Labcorp Genetics (formerly Invitae), Labcorp
Classification: Likely pathogenic for Juvenile polyposis syndrome. Last evaluated: 2023-08-24. Review status: criteria provided, single submitter. Criteria: Invitae Variant Classification Sherloc (09022015). Collection method: clinical testing. Allele origin: germline.
Comment: In summary, the currently available evidence indicates that the variant is pathogenic, but additional data are needed to prove that conclusively. Therefore, this variant has been classified as Likely Pathogenic. Studies have shown that disruption of this splice site results in skipping of exon 10 and introduces a premature termination codon (Invitae). The resulting mRNA is expected to undergo nonsense-mediated decay. ClinVar contains an entry for this variant (Variation ID: 520190). This variant has not been reported in the literature in individuals affected with SMAD4-related conditions. This variant is not present in population databases (gnomAD no frequency). This sequence change affects a donor splice site in intron 10 of the SMAD4 gene. RNA analysis indicates that disruption of this splice site induces altered splicing and may result in an absent or disrupted protein product.

Ambry Genetics
Classification: Pathogenic for Hereditary cancer-predisposing syndrome; Familial thoracic aortic aneurysm and aortic dissection. Last evaluated: 2019-09-11. Review status: criteria provided, single submitter. Criteria: Ambry Variant Classification Scheme 2023. Collection method: clinical testing. Allele origin: germline.
Comment: The c.1308+1G>A intronic pathogenic mutation results from a G to A substitution one nucleotide after coding exon 9 of the SMAD4 gene. Using the BDGP and ESEfinder splice site prediction tools, this alteration is predicted to abolish the native splice donor site; however, direct evidence is unavailable. In addition to this data, alterations that disrupt the canonical splice site are expected to cause aberrant splicing, resulting in an abnormal protein or a transcript that is subject to nonsense-mediated mRNA decay. As such, this alteration is classified as a disease-causing mutation.

NM_005359.6(SMAD4):c.1308+1G>A

Gene: SMAD4 (SMAD family member 4; plus strand). Cytogenetic location: 18q21.2.
Variant type: single nucleotide variant.
Coding change: c.1308+1G>A on transcript NM_005359.6 (MANE Select); the canonical splice donor site of the intron after coding-DNA position 1308, G replaced by A.
Molecular consequence: splice donor variant.
Genome position (GRCh38, 1-based): chr18:51,067,188, G>A. VCF-style: chr18-51067188-G-A. GRCh37 (hg19) VCF-style: chr18-48593558-G-A.
Other names: c.1308+1G>A (NM_001407042.1, NM_001407041.1).
Identifiers: ClinVar variation 520190 (VCV000520190.14), dbSNP rs587781618, ClinGen allele CA402465086.